The following is an entry in ClinVar:

NM_016302.4(CRBN):c.1147G>T (p.Gly383Trp)

Genes: CRBN (cereblon; minus strand), TRNT1 (tRNA nucleotidyl transferase 1; plus strand). Cytogenetic location: 3p26.2.
Variant type: single nucleotide variant.
Coding change: c.1147G>T on transcript NM_016302.4 (MANE Select); coding-DNA position 1147, G replaced by T.
Protein change: p.Gly383Trp; replaces glycine 383 with tryptophan.
Molecular consequence: missense variant. On other transcripts: 3 prime UTR variant (1), non-coding transcript variant (4).
Genome position (GRCh38, 1-based): chr3:3,152,457, C>A on the plus strand (G>T on the coding strand, the complement: CRBN is on the minus strand). VCF-style: chr3-3152457-C-A. GRCh37 (hg19) VCF-style: chr3-3194141-C-A.
Other names: c.*1951C>A (NM_001367321.1); c.1144G>T, p.Gly382Trp (NM_001173482.1); short protein forms G382W, G383W.
Identifiers: ClinVar variation 4278727 (VCV004278727.1).

ClinVar aggregate classification (germline): Uncertain significance (1 of 4 stars; one submission).

gnomAD v4.1: 3 of 1,613,714 alleles (0.00019%); highest among the groups gnomAD compares: Non-Finnish European, 0.00025%; no homozygotes.

Submission:

GeneDx
Classification: Uncertain significance. Last evaluated: 2025-04-02. Review status: criteria provided, single submitter. Criteria: GeneDx Variant Classification Process June 2021. Collection method: clinical testing. Allele origin: germline. Affected: yes.
Comment: Not observed at significant frequency in large population cohorts (gnomAD); In silico analysis supports that this missense variant has a deleterious effect on protein structure/function; Has not been previously published as pathogenic or benign to our knowledge